The following is an entry in ClinVar:

NM_004380.3(CREBBP):c.5488G>A (p.Ala1830Thr)

Gene: CREBBP (CREB binding protein; minus strand). Cytogenetic location: 16p13.3.
Variant type: single nucleotide variant.
Coding change: c.5488G>A on transcript NM_004380.3 (MANE Select); coding-DNA position 5488, G replaced by A.
Protein change: p.Ala1830Thr; replaces alanine 1830 with threonine.
Molecular consequence: missense variant.
Genome position (GRCh38, 1-based): chr16:3,729,559, C>T on the plus strand (G>A on the coding strand, the complement: CREBBP is on the minus strand). VCF-style: chr16-3729559-C-T. GRCh37 (hg19) VCF-style: chr16-3779560-C-T.
Other names: c.5374G>A, p.Ala1792Thr (NM_001079846.1); short protein forms A1792T, A1830T.
Identifiers: ClinVar variation 1309234 (VCV001309234.4), dbSNP rs2151310426, ClinGen allele CA394556209.

ClinVar aggregate classification (germline): Uncertain significance. Review status: criteria provided, multiple submitters, no conflicts (2 of 4 stars). 2 submissions from 2 submitters: Uncertain significance (2). Last evaluated 2019-10-15.

Conditions:
Inborn genetic diseases. Identifiers: MedGen C0950123, MeSH D030342.

Submissions (2):

GeneDx
Classification: Uncertain significance. Last evaluated: 2019-10-15. Review status: criteria provided, single submitter. Criteria: GeneDx Variant Classification Process June 2021. Collection method: clinical testing. Allele origin: germline. Affected: yes.
Comment: Not observed in large population cohorts (Lek et al., 2016); In silico analysis, which includes protein predictors and evolutionary conservation, supports a deleterious effect; Has not been previously published as pathogenic or benign to our knowledge

Ambry Genetics
Classification: Uncertain significance for Inborn genetic diseases. Last evaluated: 2017-10-13. Review status: criteria provided, single submitter. Criteria: Ambry Variant Classification Scheme 2023. Collection method: clinical testing. Allele origin: germline.
Comment: The p.A1830T variant (also known as c.5488G>A), located in coding exon 31 of the CREBBP gene, results from a G to A substitution at nucleotide position 5488. The alanine at codon 1830 is replaced by threonine, an amino acid with similar properties. This amino acid position is highly conserved in available vertebrate species. In addition, this alteration is predicted to be deleterious by in silico analysis. Since supporting evidence is limited at this time, the clinical significance of this alteration remains unclear.